The following is an entry in ClinVar:

ClinVar aggregate classification (germline): Pathogenic (1 of 4 stars; one submission).

Conditions:
Legius syndrome. Identifiers: Orphanet 137605, MedGen C1969623, MONDO:0012669, OMIM 611431. Disease mechanism: loss of function.

Submission:

Labcorp Genetics (formerly Invitae), Labcorp
Classification: Pathogenic for Legius syndrome. Last evaluated: 2025-07-30. Review status: criteria provided, single submitter. Criteria: Invitae Variant Classification Sherloc (09022015). Collection method: clinical testing. Allele origin: germline.
Comment: This sequence change creates a premature translational stop signal (p.Arg349Glyfs*11) in the SPRED1 gene. While this is not anticipated to result in nonsense mediated decay, it is expected to disrupt the last 96 amino acid(s) of the SPRED1 protein. This variant is not present in population databases (gnomAD no frequency). This variant has not been reported in the literature in individuals affected with SPRED1-related conditions. Invitae Evidence Modeling of clinical and family history, age, sex, and reported ancestry of multiple individuals with this SPRED1 variant has been performed. This variant is expected to be pathogenic with a positive predictive value of at least 99%. This is a validated machine learning model that incorporates the clinical features of 198,265 individuals referred to our laboratory for SPRED1 testing. ClinVar contains an entry for this variant (Variation ID: 1334196). This variant disrupts a region of the SPRED1 protein in which other variant(s) (p.Gly385Ilefs*20) have been determined to be pathogenic (PMID: 17704776, 19443465, 19920235, 21089071). This suggests that this is a clinically significant region of the protein, and that variants that disrupt it are likely to be disease-causing. For these reasons, this variant has been classified as Pathogenic.

Literature cited by the submitters: PubMed 17704776; PubMed 19443465; PubMed 19920235; PubMed 21089071.

NM_152594.3(SPRED1):c.1044_1046delinsC (p.Arg349fs)

Gene: SPRED1 (sprouty related EVH1 domain containing 1; plus strand). Cytogenetic location: 15q14.
Variant type: Indel.
Coding change: c.1044_1046delinsC on transcript NM_152594.3 (MANE Select); coding-DNA positions 1044 to 1046, TAG replaced by C.
Protein change: p.Arg349fs; shifts the reading frame from arginine 349.
Molecular consequence: frameshift variant.
Genome position (GRCh38, 1-based): chr15:38,351,373-38,351,375, TAG replaced by C. VCF-style: chr15-38351373-TAG-C. GRCh37 (hg19) VCF-style: chr15-38643574-TAG-C.
Other names: short protein forms R349fs.
Identifiers: ClinVar variation 565472 (VCV000565472.6), dbSNP rs1566876929, ClinGen allele CA891843555.